The following is an entry in ClinVar:

ClinVar aggregate classification (germline): Conflicting classifications of pathogenicity. Review status: criteria provided, conflicting classifications (1 of 4 stars). 6 submissions from 5 submitters: Uncertain significance (2); Benign (1); Likely benign (3). Last evaluated 2026-01-23.

Conditions:
PDE6B-related disorder. Also called: PDE6B-related disease; PDE6B-related condition; PDE6B-related disorders.
Retinitis pigmentosa (RP). Identifiers: Orphanet 791, MedGen C0035334, MeSH D012174, MONDO:0019200, OMIM 268000. Inheritance: Autosomal dominant, autosomal recessive and X linked inheritance.
Congenital stationary night blindness autosomal dominant 2. Also called: NIGHT BLINDNESS, CONGENITAL STATIONARY, RAMBUSCH TYPE. Identifiers: Orphanet 215, MedGen C1876182, MONDO:0008099, OMIM 163500.

Allele frequency attached by ClinVar (database versions not stated): gnomAD 0.00005 and 0.00010; ESP Exome Variant Server 0.00008; TOPMed 0.00008; gnomAD exomes 0.00021 and 0.00034; 1000 Genomes Project 30x 0.00031; ExAC 0.00037; 1000 Genomes Project 0.00040.
gnomAD v4.1: 315 of 1,609,152 alleles (0.02%); highest among the groups gnomAD compares: South Asian, 0.22%; 1 homozygote.

Submissions (6):

Labcorp Genetics (formerly Invitae), Labcorp
Classification: Likely benign. Last evaluated: 2026-01-23. Review status: criteria provided, single submitter. Criteria: Invitae Variant Classification Sherloc (09022015). Collection method: clinical testing. Allele origin: germline.

PreventionGenetics, part of Exact Sciences
Classification: Likely benign for PDE6B-related condition. Last evaluated: 2024-12-19. Review status: criteria provided, single submitter. Criteria: ACMG Guidelines, 2015. Collection method: clinical testing. Allele origin: germline.
Comment: This variant is classified as likely benign based on ACMG/AMP sequence variant interpretation guidelines (Richards et al. 2015 PMID: 25741868, with internal and published modifications).

Blueprint Genetics
Classification: Likely benign. Last evaluated: 2024-03-01. Review status: criteria provided, single submitter. Criteria: ACMG Guidelines, 2015. Collection method: clinical testing. Allele origin: germline.

Illumina Laboratory Services, Illumina
Classification: Benign for Congenital stationary night blindness autosomal dominant 2. Last evaluated: 2018-01-13. Review status: criteria provided, single submitter. Criteria: ICSL Variant Classification Criteria 13 December 2019. Collection method: clinical testing. Allele origin: germline.
Comment: This variant was observed in the ICSL laboratory as part of a predisposition screen in an ostensibly healthy population. It had not been previously curated by ICSL or reported in the Human Gene Mutation Database (HGMD: prior to June 1st, 2018), and was therefore a candidate for classification through an automated scoring system. Utilizing variant allele frequency, disease prevalence and penetrance estimates, and inheritance mode, an automated score was calculated to assess if this variant is too frequent to cause the disease. Based on the score and internal cut-off values, a variant classified as benign is not then subjected to further curation. The score for this variant resulted in a classification of benign for this disease.

Illumina Laboratory Services, Illumina
Classification: Uncertain significance for Retinitis pigmentosa. Last evaluated: 2018-01-13. Review status: criteria provided, single submitter. Criteria: ICSL Variant Classification Criteria 13 December 2019. Collection method: clinical testing. Allele origin: germline.

Eurofins Ntd Llc (ga)
Classification: Uncertain significance. Last evaluated: 2014-12-31. Review status: criteria provided, single submitter. Criteria: EGL Classification Definitions 2015. Collection method: clinical testing. Allele origin: germline. Observed: 1 variant allele, 1 heterozygote.

NM_000283.4(PDE6B):c.2344G>A (p.Val782Met)

Gene: PDE6B (phosphodiesterase 6B; plus strand). Cytogenetic location: 4p16.3.
Variant type: single nucleotide variant.
Coding change: c.2344G>A on transcript NM_000283.4 (MANE Select); coding-DNA position 2344, G replaced by A.
Protein change: p.Val782Met; replaces valine 782 with methionine.
Molecular consequence: missense variant.
Genome position (GRCh38, 1-based): chr4:666,606, G>A. VCF-style: chr4-666606-G-A. GRCh37 (hg19) VCF-style: chr4-660395-G-A.
Other names: c.2344G>A, p.Val782Met (NM_001145291.2); c.1507G>A, p.Val503Met (NM_001145292.2, NM_001350154.3, NM_001379246.1 and 1 more transcripts); c.1189G>A, p.Val397Met (NM_001350155.3); short protein forms V782M, V397M, V503M.
Identifiers: ClinVar variation 195457 (VCV000195457.20), dbSNP rs145124626, ClinGen allele CA241888.